The following is an entry in ClinVar:

NM_198578.4(LRRK2):c.4843G>C (p.Val1615Leu)

Gene: LRRK2 (leucine rich repeat kinase 2; plus strand). Cytogenetic location: 12q12.
Variant type: single nucleotide variant.
Coding change: c.4843G>C on transcript NM_198578.4 (MANE Select); coding-DNA position 4843, G replaced by C.
Protein change: p.Val1615Leu; replaces valine 1615 with leucine.
Molecular consequence: missense variant.
Genome position (GRCh38, 1-based): chr12:40,320,003, G>C. VCF-style: chr12-40320003-G-C. GRCh37 (hg19) VCF-style: chr12-40713805-G-C.
Other names: short protein forms V1615L.
Identifiers: ClinVar variation 3361251 (VCV003361251.2).
Genomic context (GRCh38, chr12:40,320,003, plus strand): 5'-TCAGAAAATAAATTTTAGTGATTATTTATGACTCGAATCTTTCAGATTTTGACAGTGAAA[G>C]TGGAAGGTTGTCCAAAACACCCTAAGGGCATTATTTCGCGTAGAGATGTGGAAAAATTTC-3'
Protein context (NP_940980.4, residues 1605-1625): KIMAQILTVK[Val1615Leu]EGCPKHPKGI

ClinVar aggregate classification (germline): Uncertain significance. Review status: criteria provided, multiple submitters, no conflicts (2 of 4 stars). 2 submissions from 2 submitters: Uncertain significance (2). Last evaluated 2025-09-04.

Conditions:
Autosomal dominant Parkinson disease 8. Also called: LRRK2-Related Parkinson Disease; Parkinson disease 8; Parkinson disease 8, susceptibility to. Identifiers: Orphanet 411602, MedGen C1846862, MONDO:0011764, OMIM 607060.

gnomAD v4.1: 1 of 1,609,580 alleles (0.000062%); highest among the groups gnomAD compares: Admixed American, 0.0017%; no homozygotes.

Submissions (2):

Labcorp Genetics (formerly Invitae), Labcorp
Classification: Uncertain significance for Autosomal dominant Parkinson disease 8. Last evaluated: 2025-09-04. Review status: criteria provided, single submitter. Criteria: Invitae Variant Classification Sherloc (09022015). Collection method: clinical testing. Allele origin: germline.
Comment: This sequence change replaces valine, which is neutral and non-polar, with leucine, which is neutral and non-polar, at codon 1615 of the LRRK2 protein (p.Val1615Leu). This variant is not present in population databases (gnomAD no frequency). This variant has not been reported in the literature in individuals affected with LRRK2-related conditions. ClinVar contains an entry for this variant (Variation ID: 3361251). Invitae Evidence Modeling of protein sequence and biophysical properties (such as structural, functional, and spatial information, amino acid conservation, physicochemical variation, residue mobility, and thermodynamic stability) indicates that this missense variant is not expected to disrupt LRRK2 protein function with a negative predictive value of 80%. In summary, the available evidence is currently insufficient to determine the role of this variant in disease. Therefore, it has been classified as a Variant of Uncertain Significance.

GeneDx
Classification: Uncertain significance. Last evaluated: 2023-07-27. Review status: criteria provided, single submitter. Criteria: GeneDx Variant Classification Process June 2021. Collection method: clinical testing. Allele origin: germline. Affected: yes.
Comment: Not observed at significant frequency in large population cohorts (gnomAD); In silico analysis supports that this missense variant does not alter protein structure/function; Has not been previously published as pathogenic or benign to our knowledge